The following is an entry in ClinVar:

ClinVar aggregate classification (germline): Likely benign. Review status: criteria provided, single submitter (1 of 4 stars). 2 submissions from 2 submitters: Likely benign (1). 1 of the submissions does not count toward it. Last evaluated 2025-12-13.

Conditions:
LRP2-related disorder. Also called: LRP2-related condition.

Allele frequency attached by ClinVar (database versions not stated): ExAC 0.00001; gnomAD 0.00001 and 0.00002; gnomAD exomes 0.00002; TOPMed 0.00002.
gnomAD v4.1: 40 of 1,613,498 alleles (0.0025%); highest among the groups gnomAD compares: South Asian, 0.0066%; no homozygotes.

Submissions (2):

Labcorp Genetics (formerly Invitae), Labcorp
Classification: Likely benign. Last evaluated: 2025-12-13. Review status: criteria provided, single submitter. Criteria: Invitae Variant Classification Sherloc (09022015). Collection method: clinical testing. Allele origin: germline.

PreventionGenetics, part of Exact Sciences
Classification: Likely benign for LRP2-related condition. Last evaluated: 2019-06-03. Review status: no assertion criteria provided. Collection method: clinical testing. Allele origin: germline. Not counted in ClinVar's aggregate classification.
Comment: This variant is classified as likely benign based on ACMG/AMP sequence variant interpretation guidelines (Richards et al. 2015 PMID: 25741868, with internal and published modifications).

NM_004525.3(LRP2):c.12989-9G>A

Gene: LRP2 (LDL receptor related protein 2; minus strand). Cytogenetic location: 2q31.1.
Variant type: single nucleotide variant.
Coding change: c.12989-9G>A on transcript NM_004525.3 (MANE Select); 9 bases into the intron before coding-DNA position 12989, G replaced by A.
Molecular consequence: intron variant.
Genome position (GRCh38, 1-based): chr2:169,142,802, C>T on the plus strand (G>A on the coding strand, the complement: LRP2 is on the minus strand). VCF-style: chr2-169142802-C-T. GRCh37 (hg19) VCF-style: chr2-169999312-C-T.
Other names: c.12989-9G>A (NM_004525.2).
Identifiers: ClinVar variation 1556867 (VCV001556867.10), dbSNP rs752178785, ClinGen allele CA1952677.